The following is an entry in ClinVar:

ClinVar aggregate classification (germline): Benign. Review status: criteria provided, multiple submitters, no conflicts (2 of 4 stars). 2 submissions from 2 submitters: Benign (2). Last evaluated 2018-06-14.

Allele frequency attached by ClinVar (database versions not stated): 1000 Genomes Project 30x 0.02061; gnomAD 0.04030 and 0.04140; 1000 Genomes Project 0.02216; TOPMed 0.03794; gnomAD exomes 0.06410.

Submissions (2):

GeneDx
Classification: Benign. Last evaluated: 2018-06-14. Review status: criteria provided, single submitter. Criteria: GeneDx Variant Classification (06012015). Collection method: clinical testing. Allele origin: germline. Affected: yes.
Comment: This variant is considered likely benign or benign based on one or more of the following criteria: it is a conservative change, it occurs at a poorly conserved position in the protein, it is predicted to be benign by multiple in silico algorithms, and/or has population frequency not consistent with disease.

Breakthrough Genomics
Classification: Benign. Review status: criteria provided, single submitter. Criteria: ACMG Guidelines, 2015. Collection method: not provided. Allele origin: germline. Inheritance: Autosomal dominant inheritance. Affected: yes.

NM_016203.3(PRKAG2):c.-769G>C

Genes: PRKAG2 (protein kinase AMP-activated non-catalytic subunit gamma 2; minus strand), PRKAG2-AS1 (PRKAG2 antisense RNA 1; plus strand), LOC129999670 (ATAC-STARR-seq lymphoblastoid silent region 18828; plus strand). Cytogenetic location: 7q36.1.
Variant type: single nucleotide variant.
Coding change: c.-769G>C on transcript NM_016203.3; 769 bases upstream of the start codon, G replaced by C.
Genome position (GRCh38, 1-based): chr7:151,877,389, C>G on the plus strand (G>C on the coding strand, the complement: PRKAG2 is on the minus strand). VCF-style: chr7-151877389-C-G. GRCh37 (hg19) VCF-style: chr7-151574474-C-G.
Identifiers: ClinVar variation 669441 (VCV000669441.4), dbSNP rs147892513, ClinGen allele CA169184015.
Genomic context (GRCh38, chr7:151,877,389, plus strand): 5'-CCCCGCCGCGCCGCGGCCCCAGGGGACCGCAAGGGGACAGTGAGGGGCCGGGCCTGGCAC[C>G]GACGCAAGCTCGGGGAGCGCGGGTGGTGGGAGGCGGCGCGTGTTGAACAGGAAGTGCGCG-3'